The following is an entry in ClinVar:

ClinVar aggregate classification (germline): Uncertain significance. Review status: criteria provided, multiple submitters, no conflicts (2 of 4 stars). 5 submissions from 5 submitters: Uncertain significance (5). Last evaluated 2026-07-10.

Conditions:
P3H1-related disorder. Also called: P3H1-related condition.
Osteogenesis imperfecta type 8 (OI8). Identifiers: MedGen C1970458, MONDO:0012581, OMIM 610915.

Allele frequency attached by ClinVar (database versions not stated): gnomAD exomes below 0.00001 and 0.00007; gnomAD 0.00001; TOPMed 0.00002.
gnomAD v4.1: 108 of 1,613,828 alleles (0.0067%); highest among the groups gnomAD compares: Non-Finnish European, 0.0091%; no homozygotes.

Submissions (5):

PreventionGenetics, part of Exact Sciences
Classification: Uncertain significance for P3H1-related condition. Last evaluated: 2026-07-10. Review status: criteria provided, single submitter. Criteria: ACMG Guidelines, 2015. Collection method: clinical testing. Allele origin: germline.
Comment: The P3H1 c.1792C>T variant is predicted to result in the amino acid substitution p.Leu598Phe. To our knowledge, this variant has not been reported in the literature. This variant is reported in 0.0015% of alleles in individuals of European (Non-Finnish) descent in gnomAD. At this time, the clinical significance of this variant is uncertain due to the absence of conclusive functional and genetic evidence.

Genome-Nilou Lab
Classification: Uncertain significance for Osteogenesis imperfecta type 8. Last evaluated: 2023-04-11. Review status: criteria provided, single submitter. Criteria: ACMG Guidelines, 2015. Collection method: clinical testing. Allele origin: germline. Affected: no.

Labcorp Genetics (formerly Invitae), Labcorp
Classification: Uncertain significance for Osteogenesis imperfecta type 8. Last evaluated: 2022-10-05. Review status: criteria provided, single submitter. Criteria: Invitae Variant Classification Sherloc (09022015). Collection method: clinical testing. Allele origin: germline.
Comment: This sequence change replaces leucine, which is neutral and non-polar, with phenylalanine, which is neutral and non-polar, at codon 598 of the P3H1 protein (p.Leu598Phe). This variant is present in population databases (no rsID available, gnomAD 0.002%). This variant has not been reported in the literature in individuals affected with P3H1-related conditions. ClinVar contains an entry for this variant (Variation ID: 501006). Advanced modeling of protein sequence and biophysical properties (such as structural, functional, and spatial information, amino acid conservation, physicochemical variation, residue mobility, and thermodynamic stability) performed at Invitae indicates that this missense variant is not expected to disrupt P3H1 protein function. In summary, the available evidence is currently insufficient to determine the role of this variant in disease. Therefore, it has been classified as a Variant of Uncertain Significance.

ARUP Laboratories, Molecular Genetics and Genomics, ARUP Laboratories
Classification: Uncertain significance. Last evaluated: 2018-06-27. Review status: criteria provided, single submitter. Criteria: ARUP Molecular Germline Variant Investigation Process. Collection method: clinical testing. Allele origin: germline.
Comment: The P3H1 c.1792C>T; p.Leu598Phe variant, to our knowledge, is not reported in the medical literature but is reported as a variant of uncertain significance by one laboratory in ClinVar (Variation ID: 501006). This variant is largely absent from general population databases (1000 Genomes Project, Exome Variant Server, and 2 out of 277010 total alleles in Genome Aggregation Database), indicating it is not a common polymorphism. The leucine at codon 598 is moderately conserved and computational analyses (SIFT, PolyPhen-2) predict that this variant is deleterious. Due to limited information, the clinical significance of the p.Leu598Phe variant is uncertain at this time.

Eurofins Ntd Llc (ga)
Classification: Uncertain significance. Last evaluated: 2017-04-04. Review status: criteria provided, single submitter. Criteria: EGL Classification Definitions 2015. Collection method: clinical testing. Allele origin: germline. Observed: 1 variant allele, 1 heterozygote.

NM_022356.4(P3H1):c.1792C>T (p.Leu598Phe)

Gene: P3H1 (prolyl 3-hydroxylase 1; minus strand). Cytogenetic location: 1p34.2.
Variant type: single nucleotide variant.
Coding change: c.1792C>T on transcript NM_022356.4 (MANE Select); coding-DNA position 1792, C replaced by T.
Protein change: p.Leu598Phe; replaces leucine 598 with phenylalanine.
Molecular consequence: missense variant.
Genome position (GRCh38, 1-based): chr1:42,748,246, G>A on the plus strand (C>T on the coding strand, the complement: P3H1 is on the minus strand). VCF-style: chr1-42748246-G-A. GRCh37 (hg19) VCF-style: chr1-43213917-G-A.
Other names: c.1792C>T, p.Leu598Phe (NM_001146289.2, NM_001243246.2); short protein forms L598F.
Identifiers: ClinVar variation 501006 (VCV000501006.20), dbSNP rs1344810292, ClinGen allele CA339954236.
Genomic context (GRCh38, chr1:42,748,246, plus strand): 5'-TGCCCCGCACTCACCTGTAGTCGCGGAAGGTGTAGGCTGGGGGCTCTTTGACACACACGA[G>A]GGTCTCGGCATTCAGGATGCAGTTGTCCACGTGGACTGGATGACTATCATCCTTCCTCTC-3'
Protein context (NP_071751.3, residues 588-608): VDNCILNAET[Leu598Phe]VCVKEPPAYT